The following is an entry in ClinVar:

NM_007194.4(CHEK2):c.736G>T (p.Val246Leu)

Gene: CHEK2 (checkpoint kinase 2; minus strand). Cytogenetic location: 22q12.1.
Variant type: single nucleotide variant.
Coding change: c.736G>T on transcript NM_007194.4 (MANE Select); coding-DNA position 736, G replaced by T.
Protein change: p.Val246Leu; replaces valine 246 with leucine.
Molecular consequence: missense variant.
Genome position (GRCh38, 1-based): chr22:28,711,965, C>A on the plus strand (G>T on the coding strand, the complement: CHEK2 is on the minus strand). VCF-style: chr22-28711965-C-A. GRCh37 (hg19) VCF-style: chr22-29107953-C-A.
Other names: c.865G>T, p.Val289Leu (NM_001005735.3); c.73G>T, p.Val25Leu (NM_001257387.3); c.535G>T, p.Val179Leu (NM_001349956.3); c.736G>T, p.Val246Leu (NM_145862.3); short protein forms V179L, V246L, V25L, V289L.
Identifiers: ClinVar variation 1758563 (VCV001758563.2), dbSNP rs748504161, ClinGen allele CA10167885.

ClinVar aggregate classification (germline): Uncertain significance (1 of 4 stars; one submission).

Conditions:
Hereditary cancer-predisposing syndrome. Also called: Neoplastic Syndromes, Hereditary; Tumor predisposition; Hereditary Cancer Syndrome; Hereditary neoplastic syndrome. Identifiers: Orphanet 140162, MedGen C0027672, MeSH D009386, MONDO:0015356.

Allele frequency attached by ClinVar (database versions not stated): TOPMed 0.00001.

Submission:

Ambry Genetics
Classification: Uncertain significance for Hereditary cancer-predisposing syndrome. Last evaluated: 2022-08-03. Review status: criteria provided, single submitter. Criteria: Ambry Variant Classification Scheme 2023. Collection method: clinical testing. Allele origin: germline.
Comment: The p.V246L variant (also known as c.736G>T), located in coding exon 5 of the CHEK2 gene, results from a G to T substitution at nucleotide position 736. The valine at codon 246 is replaced by leucine, an amino acid with highly similar properties. This amino acid position is highly conserved in available vertebrate species. In addition, this alteration is predicted to be deleterious by in silico analysis. Since supporting evidence is limited at this time, the clinical significance of this alteration remains unclear.